The following is an entry in ClinVar:

ClinVar aggregate classification (germline): Uncertain significance. Review status: criteria provided, multiple submitters, no conflicts (2 of 4 stars). 3 submissions from 3 submitters: Uncertain significance (3). Last evaluated 2024-11-23.

Conditions:
Epilepsy, X-linked 1, with variable learning disabilities and behavior disorders. Also called: X-linked epilepsy-learning disabilities-behavior disorders syndrome. Identifiers: Orphanet 85294, MedGen C5774177, MONDO:0010339, OMIM 300491.

Allele frequency attached by ClinVar (database versions not stated): gnomAD exomes below 0.00001; TOPMed below 0.00001.
gnomAD v4.1: 4 of 1,098,367 alleles (0.00036%); highest among the groups gnomAD compares: Non-Finnish European, 0.00048%; no homozygotes.

Submissions (3):

Labcorp Genetics (formerly Invitae), Labcorp
Classification: Uncertain significance for Epilepsy, X-linked 1, with variable learning disabilities and behavior disorders. Last evaluated: 2024-11-23. Review status: criteria provided, single submitter. Criteria: Invitae Variant Classification Sherloc (09022015). Collection method: clinical testing. Allele origin: germline.
Comment: This sequence change replaces proline, which is neutral and non-polar, with serine, which is neutral and polar, at codon 472 of the SYN1 protein (p.Pro472Ser). This variant is not present in population databases (gnomAD no frequency). This missense change has been observed in individual(s) with clinical features of SYN1-related conditions (internal data). ClinVar contains an entry for this variant (Variation ID: 212331). Experimental studies and prediction algorithms are not available or were not evaluated, and the functional significance of this variant is currently unknown. In summary, the available evidence is currently insufficient to determine the role of this variant in disease. Therefore, it has been classified as a Variant of Uncertain Significance.

Blueprint Genetics
Classification: Uncertain significance. Last evaluated: 2023-11-20. Review status: criteria provided, single submitter. Criteria: ACMG Guidelines, 2015. Collection method: clinical testing. Allele origin: germline.

Genetic Services Laboratory, University of Chicago
Classification: Uncertain significance. Last evaluated: 2015-05-26. Review status: criteria provided, single submitter. Criteria: ACMG Guidelines, 2015. Collection method: clinical testing. Allele origin: germline.

NM_006950.3(SYN1):c.1414C>T (p.Pro472Ser)

Gene: SYN1 (synapsin I; minus strand). Cytogenetic location: Xp11.3.
Variant type: single nucleotide variant.
Coding change: c.1414C>T on transcript NM_006950.3 (MANE Select); coding-DNA position 1414, C replaced by T.
Protein change: p.Pro472Ser; replaces proline 472 with serine.
Molecular consequence: missense variant.
Genome position (GRCh38, 1-based): chrX:47,574,570, G>A on the plus strand (C>T on the coding strand, the complement: SYN1 is on the minus strand). VCF-style: chrX-47574570-G-A. GRCh37 (hg19) VCF-style: chrX-47433969-G-A.
Other names: c.1414C>T, p.Pro472Ser (NM_133499.2); short protein forms P472S.
Identifiers: ClinVar variation 212331 (VCV000212331.16), dbSNP rs797046019, ClinGen allele CA208947.